The following is an entry in ClinVar:

NM_003587.5(DHX16):c.1318-5T>G

Gene: DHX16 (DEAH-box helicase 16; minus strand). Cytogenetic location: 6p21.33.
Variant type: single nucleotide variant.
Coding change: c.1318-5T>G on transcript NM_003587.5 (MANE Select); 5 bases into the intron before coding-DNA position 1318, T replaced by G.
Molecular consequence: intron variant.
Genome position (GRCh38, 1-based): chr6:30,663,026, A>C on the plus strand (T>G on the coding strand, the complement: DHX16 is on the minus strand). VCF-style: chr6-30663026-A-C. GRCh37 (hg19) VCF-style: chr6-30630803-A-C.
Other names: c.1138-5T>G (NM_001164239.2); c.-802-5T>G (NM_001363515.2).
Identifiers: ClinVar variation 4537678 (VCV004537678.1).

ClinVar aggregate classification (germline): Uncertain significance (1 of 4 stars; one submission).

Submission:

GeneDx
Classification: Uncertain significance. Last evaluated: 2025-06-11. Review status: criteria provided, single submitter. Criteria: GeneDx Variant Classification Process June 2021. Collection method: clinical testing. Allele origin: germline. Affected: yes.
Comment: Not observed at significant frequency in large population cohorts (gnomAD); In silico analysis supports a deleterious effect on splicing; Has not been previously published as pathogenic or benign to our knowledge